The following is an entry in ClinVar:

ClinVar aggregate classification (germline): Uncertain significance. Review status: criteria provided, multiple submitters, no conflicts (2 of 4 stars). 3 submissions from 3 submitters: Uncertain significance (2). 1 of the submissions does not count toward it. Last evaluated 2025-11-09.

Conditions:
MATR3-related disorder. Also called: MATR3-related condition.
Amyotrophic lateral sclerosis type 21. Also called: VOCAL CORD AND PHARYNGEAL DYSFUNCTION WITH DISTAL MYOPATHY; MYOPATHY, DISTAL, 2. Identifiers: Orphanet 600, Orphanet 803, MedGen C3807521, MONDO:0011632, OMIM 606070.

Allele frequency attached by ClinVar (database versions not stated): ExAC 0.00003; gnomAD exomes 0.00008 and 0.00026; TOPMed 0.00011; gnomAD 0.00015.
gnomAD v4.1: 394 of 1,614,052 alleles (0.024%); highest among the groups gnomAD compares: Non-Finnish European, 0.032%; no homozygotes.

Submissions (3):

Labcorp Genetics (formerly Invitae), Labcorp
Classification: Uncertain significance for Amyotrophic lateral sclerosis type 21. Last evaluated: 2025-11-09. Review status: criteria provided, single submitter. Criteria: Invitae Variant Classification Sherloc (09022015). Collection method: clinical testing. Allele origin: germline.
Comment: This sequence change replaces alanine, which is neutral and non-polar, with valine, which is neutral and non-polar, at codon 745 of the MATR3 protein (p.Ala745Val). This variant is present in population databases (rs199797401, gnomAD 0.02%). This variant has not been reported in the literature in individuals affected with MATR3-related conditions. ClinVar contains an entry for this variant (Variation ID: 574594). Invitae Evidence Modeling of protein sequence and biophysical properties (such as structural, functional, and spatial information, amino acid conservation, physicochemical variation, residue mobility, and thermodynamic stability) indicates that this missense variant is not expected to disrupt MATR3 protein function with a negative predictive value of 80%. In summary, the available evidence is currently insufficient to determine the role of this variant in disease. Therefore, it has been classified as a Variant of Uncertain Significance.

Revvity Omics, Revvity
Classification: Uncertain significance for Amyotrophic lateral sclerosis type 21. Last evaluated: 2019-05-28. Review status: criteria provided, single submitter. Criteria: ACMG Guidelines, 2015. Collection method: clinical testing. Allele origin: germline.

PreventionGenetics, part of Exact Sciences
Classification: Likely benign for MATR3-related condition. Last evaluated: 2024-03-26. Review status: no assertion criteria provided. Collection method: clinical testing. Allele origin: germline. Not counted in ClinVar's aggregate classification.
Comment: This variant is classified as likely benign based on ACMG/AMP sequence variant interpretation guidelines (Richards et al. 2015 PMID: 25741868, with internal and published modifications).

NM_018834.6(MATR3):c.2234C>T (p.Ala745Val)

Gene: MATR3 (matrin 3; plus strand). Cytogenetic location: 5q31.2.
Variant type: single nucleotide variant.
Coding change: c.2234C>T on transcript NM_018834.6 (MANE Select); coding-DNA position 2234, C replaced by T.
Protein change: p.Ala745Val; replaces alanine 745 with valine.
Molecular consequence: missense variant.
Genome position (GRCh38, 1-based): chr5:139,325,525, C>T. VCF-style: chr5-139325525-C-T. GRCh37 (hg19) VCF-style: chr5-138661214-C-T.
Other names: c.2234C>T, p.Ala745Val (NM_001194954.2, NM_001194955.2, NM_199189.3); c.1370C>T, p.Ala457Val (NM_001194956.2); c.1220C>T, p.Ala407Val (NM_001282278.2); short protein forms A745V, A407V, A457V.
Identifiers: ClinVar variation 574594 (VCV000574594.13), dbSNP rs199797401, ClinGen allele CA3433394.
Genomic context (GRCh38, chr5:139,325,525, plus strand): 5'-AAGAAAACGAAGCAGCGTTGGAAAATGGAATTAAAAATGAGGAAAACACAGAACCAGGTG[C>T]TGAATCTTCTGAGAACGCTGATGATCCCAACAAAGATACAAGTGAAAACGCAGATGGTCA-3'
Protein context (NP_061322.2, residues 735-755): IKNEENTEPG[Ala745Val]ESSENADDPN